The following is an entry in ClinVar:

ClinVar aggregate classification (germline): Likely pathogenic (1 of 4 stars; one submission).

Conditions:
Primary ciliary dyskinesia 3. Identifiers: Orphanet 244, MedGen C1837618, MONDO:0012085, OMIM 608644.

Submission:

Myriad Genetics, Inc.
Classification: Likely pathogenic for Primary ciliary dyskinesia 3. Last evaluated: 2022-03-31. Review status: criteria provided, single submitter. Criteria: Myriad Women's Health Autosomal Recessive and X-Linked Classification Criteria (2021). Collection method: clinical testing. Allele origin: unknown.
Comment: NM_001369.2(DNAH5):c.8403delG(W2801Cfs*5) is expected to be pathogenic in the context of DNAH5-related primary ciliary dyskinesia. This variant is predicted to lead to an abnormal or absent protein product due to the creation of a premature termination codon in DNAH5, a gene where loss-of-function variants are known to be pathogenic. Please note: this variant was assessed in the context of healthy population screening.

NM_001369.3(DNAH5):c.8403del (p.Trp2801fs)

Gene: DNAH5 (dynein axonemal heavy chain 5; minus strand). Cytogenetic location: 5p15.2.
Variant type: Deletion.
Coding change: c.8403del on transcript NM_001369.3 (MANE Select); coding-DNA position 8403, one base deleted (G; older notation c.8403delG).
Protein change: p.Trp2801fs; shifts the reading frame from tryptophan 2801.
Molecular consequence: frameshift variant.
Genome position (GRCh38, 1-based): chr5:13,792,039, C deleted on the plus strand (G on the coding strand, the reverse complement: DNAH5 is on the minus strand); the first of 2 consecutive C bases (chr5:13,792,039-13,792,040); deleting either gives the same sequence. VCF-style (leftmost placement, unchanged base first): chr5-13792038-GC-G. GRCh37 (hg19) VCF-style: chr5-13792147-GC-G.
Other names: short protein forms W2801fs.
Identifiers: ClinVar variation 1725715 (VCV001725715.2), dbSNP rs2546736595, ClinGen allele CA2580072136.